The following is an entry in ClinVar:

ClinVar aggregate classification (germline): Uncertain significance. Review status: criteria provided, multiple submitters, no conflicts (2 of 4 stars). 9 submissions from 9 submitters: Uncertain significance (5). 4 of the submissions do not count toward it. Last evaluated 2026-09-10.

Conditions:
JPH2-related disorder. Also called: JPH2-related condition.
Cardiovascular phenotype. Identifiers: MedGen CN230736.
Hypertrophic cardiomyopathy. Also called: HYPERTROPHIC MYOCARDIOPATHY. Identifiers: Orphanet 217569, MedGen C0007194, MeSH D002312, MONDO:0005045, HP:0001639.

Allele frequency attached by ClinVar (database versions not stated): ExAC below 0.00001; gnomAD 0.00002; TOPMed 0.00004.
gnomAD v4.1: 21 of 1,479,284 alleles (0.0014%); highest among the groups gnomAD compares: Middle Eastern, 0.022%; no homozygotes.

Submissions (9):

PreventionGenetics, part of Exact Sciences
Classification: Uncertain significance for JPH2-related condition. Last evaluated: 2026-09-10. Review status: criteria provided, single submitter. Criteria: ACMG Guidelines, 2015. Collection method: clinical testing. Allele origin: germline.
Comment: The JPH2 c.1564C>T variant is predicted to result in the amino acid substitution p.Arg522Trp. This variant has been reported in an individual in a stillbirth cohort (Supplementary Table 2, Sahlin et al. 2019. PubMed ID: 30615648). This variant has not been reported in version 2 (v2) of gnomAD; however, the coverage of this variant in v2 of this database should be interpreted with caution. In gnomAD v4 (available only on GRCh38), this variant has been reported with good quality metrics in 0.022% of alleles in a subpopulation. At this time, the clinical significance of this variant is uncertain due to the absence of conclusive functional and genetic evidence.

Labcorp Genetics (formerly Invitae), Labcorp
Classification: Uncertain significance for Hypertrophic cardiomyopathy. Last evaluated: 2025-10-08. Review status: criteria provided, single submitter. Criteria: Invitae Variant Classification Sherloc (09022015). Collection method: clinical testing. Allele origin: germline.
Comment: This sequence change replaces arginine, which is basic and polar, with tryptophan, which is neutral and slightly polar, at codon 522 of the JPH2 protein (p.Arg522Trp). This variant is not present in population databases (gnomAD no frequency). This variant has not been reported in the literature in individuals affected with JPH2-related conditions. ClinVar contains an entry for this variant (Variation ID: 222659). An algorithm developed to predict the effect of missense changes on protein structure and function (PolyPhen-2) suggests that this variant is likely to be disruptive. In summary, the available evidence is currently insufficient to determine the role of this variant in disease. Therefore, it has been classified as a Variant of Uncertain Significance.

GeneDx
Classification: Uncertain significance. Last evaluated: 2024-06-03. Review status: criteria provided, single submitter. Criteria: GeneDx Variant Classification Process June 2021. Collection method: clinical testing. Allele origin: germline. Affected: yes.
Comment: Identified in a stillbirth case without chromosomal abnormalities and in a patient with polycystic kidney disease and heart failure who harbored a pathogenic variant in PKD1 and was compound heterozygous for two JPH2 variants as well as other cardiogenetic variants (PMID: 30615648, 32879264); Not observed at significant frequency in large population cohorts (gnomAD); In silico analysis indicates that this missense variant does not alter protein structure/function; This variant is associated with the following publications: (PMID: 30615648, 30235249, 32879264)

Blueprint Genetics
Classification: Uncertain significance. Last evaluated: 2024-05-10. Review status: criteria provided, single submitter. Criteria: ACMG Guidelines, 2015. Collection method: clinical testing. Allele origin: germline.

Ambry Genetics
Classification: Uncertain significance for Cardiovascular phenotype. Last evaluated: 2024-02-01. Review status: criteria provided, single submitter. Criteria: Ambry Variant Classification Scheme 2023. Collection method: clinical testing. Allele origin: germline.
Comment: The p.R522W variant (also known as c.1564C>T), located in coding exon 4 of the JPH2 gene, results from a C to T substitution at nucleotide position 1564. The arginine at codon 522 is replaced by tryptophan, an amino acid with dissimilar properties. This alteration was reported in a Swedish stillbirth cohort (Sahlin E et al. PLoS ONE, 2019 Jan;14:e0210017). This amino acid position is well conserved in available vertebrate species. In addition, this alteration is predicted to be tolerated by in silico analysis. Since supporting evidence is limited at this time, the clinical significance of this alteration remains unclear.

Clinical Genetics, Academic Medical Center
Classification: Uncertain significance. Review status: no assertion criteria provided. Collection method: clinical testing. Allele origin: germline. Affected: yes. Study: VKGL Data-share Consensus. Not counted in ClinVar's aggregate classification.

Diagnostic Laboratory, Department of Genetics, University Medical Center Groningen
Classification: Uncertain significance. Review status: no assertion criteria provided. Collection method: clinical testing. Allele origin: germline. Affected: yes. Study: VKGL Data-share Consensus. Not counted in ClinVar's aggregate classification.

Genome Diagnostics Laboratory, University Medical Center Utrecht
Classification: Uncertain significance. Review status: no assertion criteria provided. Collection method: clinical testing. Allele origin: germline. Affected: yes. Study: VKGL Data-share Consensus. Not counted in ClinVar's aggregate classification.

Joint Genome Diagnostic Labs from Nijmegen and Maastricht, Radboudumc and MUMC+
Classification: Uncertain significance. Review status: no assertion criteria provided. Collection method: clinical testing. Allele origin: germline. Affected: yes. Study: VKGL Data-share Consensus. Not counted in ClinVar's aggregate classification.

Literature cited by the submitters: PubMed 30615648 (cited by Ambry Genetics).

NM_020433.5(JPH2):c.1564C>T (p.Arg522Trp)

Gene: JPH2 (junctophilin 2; minus strand). Cytogenetic location: 20q13.12.
Variant type: single nucleotide variant.
Coding change: c.1564C>T on transcript NM_020433.5 (MANE Select); coding-DNA position 1564, C replaced by T.
Protein change: p.Arg522Trp; replaces arginine 522 with tryptophan.
Molecular consequence: missense variant.
Genome position (GRCh38, 1-based): chr20:44,116,111, G>A on the plus strand (C>T on the coding strand, the complement: JPH2 is on the minus strand). VCF-style: chr20-44116111-G-A. GRCh37 (hg19) VCF-style: chr20-42744751-G-A.
Other names: short protein forms R522W.
Identifiers: ClinVar variation 222659 (VCV000222659.24), dbSNP rs770850932, ClinGen allele CA086984.
Genomic context (GRCh38, chr20:44,116,111, plus strand): 5'-GCTCGGTGGCTGGACGCGCGGGGCTGCGGCGGCCCGCGCCCTCGGACGGAGTGACTGACC[G>A]GCTGCCCTCACCGCTGGGCTCGCCGTTCCAGGCGCCTGGGCTCAGCAGGCCGTCCTTGGA-3'
Protein context (NP_065166.2, residues 512-532): WNGEPSGEGS[Arg522Trp]SVTPSEGAGR